The following is an entry in ClinVar:

NM_001330260.2(SCN8A):c.4873G>T (p.Gly1625Trp)

Gene: SCN8A (sodium voltage-gated channel alpha subunit 8; plus strand). Cytogenetic location: 12q13.13.
Variant type: single nucleotide variant.
Coding change: c.4873G>T on transcript NM_001330260.2 (MANE Select); coding-DNA position 4873, G replaced by T.
Protein change: p.Gly1625Trp; replaces glycine 1625 with tryptophan.
Molecular consequence: missense variant.
Genome position (GRCh38, 1-based): chr12:51,806,359, G>T. VCF-style: chr12-51806359-G-T. GRCh37 (hg19) VCF-style: chr12-52200143-G-T.
Other names: c.4750G>T, p.Gly1584Trp (NM_001177984.3, NM_001369788.1); c.4873G>T, p.Gly1625Trp (NM_014191.4); short protein forms G1625W, G1584W.
Identifiers: ClinVar variation 383440 (VCV000383440.2), dbSNP rs879255708, ClinGen allele CA16606656.

ClinVar aggregate classification (germline): Likely pathogenic (1 of 4 stars; one submission).

Submission:

GeneDx
Classification: Likely pathogenic. Last evaluated: 2016-08-15. Review status: criteria provided, single submitter. Criteria: GeneDx Variant Classification (06012015). Collection method: clinical testing. Allele origin: germline. Affected: yes.
Comment: A novel G1625W variant that is likely pathogenic has been identified in the SCN8A gene. The G1625W variant has not been published as a pathogenic variant, nor has it been reported as a benign variant to our knowledge. A different missense substitution at the same amino acid residue (G1625R) has been reported in an individual with intellectual delay, generalized myoclonic seizures, scoliosis, nystagmus, and narrow palms (Fitzgerald et al., 2015). It was not observed in approximately 6,400 individuals of European and African American ancestry in the NHLBI Exome Sequencing Project, indicating it is not a common benign variant in these population. The G1625W variant is a semi-conservative amino acid substitution, which may impact secondary protein structure as these residues differ in some properties. This substitution alters a conserved position within transmembrane segment S4 in the fourth homologous domain. Additionally, in silico analysis predicts this variant is probably damaging to the protein structure/function. Therefore, this variant is likely pathogenic; however, the possibility that it is benign cannot be excluded.